The following is an entry in ClinVar:

ClinVar aggregate classification (germline): Likely pathogenic (1 of 4 stars; one submission).

Conditions:
Inborn genetic diseases. Identifiers: MedGen C0950123, MeSH D030342.

Submission:

Ambry Genetics
Classification: Likely pathogenic for Inborn genetic diseases. Last evaluated: 2026-05-21. Review status: criteria provided, single submitter. Criteria: Ambry Variant Classification Scheme 2023. Collection method: clinical testing. Allele origin: germline.
Comment: The c.386G>T (p.R129L) alteration is located in exon 2 (coding exon 1) of the NEUROD2 gene. This alteration results from a G to T substitution at nucleotide position 386, causing the arginine (R) at amino acid position 129 to be replaced by a leucine (L). This variant was not reported in population-based cohorts in the Genome Aggregation Database (gnomAD). Another variant at the same codon, c.385C>T, (p.R129W), has been identified in individual(s) with features consistent with NEUROD2-related developmental and epileptic encephalopathy (Runge, 2021). This amino acid position is highly conserved in available vertebrate species. This missense variant is located in a region that has a low rate of benign missense variation (Lek, 2016; Firth, 2009). This alteration is predicted to be deleterious by in silico analysis. Based on the available evidence, this alteration is classified as likely pathogenic.

Literature cited by the submitters: PubMed 34188164.

NM_006160.4(NEUROD2):c.386G>T (p.Arg129Leu)

Gene: NEUROD2 (neuronal differentiation 2; minus strand). Cytogenetic location: 17q12.
Variant type: single nucleotide variant.
Coding change: c.386G>T on transcript NM_006160.4 (MANE Select); coding-DNA position 386, G replaced by T.
Protein change: p.Arg129Leu; replaces arginine 129 with leucine.
Molecular consequence: missense variant.
Genome position (GRCh38, 1-based): chr17:39,606,214, C>A on the plus strand (G>T on the coding strand, the complement: NEUROD2 is on the minus strand). VCF-style: chr17-39606214-C-A. GRCh37 (hg19) VCF-style: chr17-37762467-C-A.
Other names: short protein forms R129L.
Identifiers: ClinVar variation 4860825 (VCV004860825.1).